The following is an entry in ClinVar:

ClinVar aggregate classification (germline): Uncertain significance (1 of 4 stars; one submission).

Conditions:
Cardiovascular phenotype. Identifiers: MedGen CN230736.

Submission:

Ambry Genetics
Classification: Uncertain significance for Cardiovascular phenotype. Last evaluated: 2023-11-02. Review status: criteria provided, single submitter. Criteria: Ambry Variant Classification Scheme 2023. Collection method: clinical testing. Allele origin: germline.
Comment: The p.E508A variant (also known as c.1523A>C), located in coding exon 8 of the MYPN gene, results from an A to C substitution at nucleotide position 1523. The glutamic acid at codon 508 is replaced by alanine, an amino acid with dissimilar properties. This amino acid position is conserved. In addition, this alteration is predicted to be deleterious by in silico analysis. Since supporting evidence is limited at this time, the clinical significance of this alteration remains unclear.

NM_032578.4(MYPN):c.1523A>C (p.Glu508Ala)

Gene: MYPN (myopalladin; plus strand). Cytogenetic location: 10q21.3.
Variant type: single nucleotide variant.
Coding change: c.1523A>C on transcript NM_032578.4 (MANE Select); coding-DNA position 1523, A replaced by C.
Protein change: p.Glu508Ala; replaces glutamic acid 508 with alanine.
Molecular consequence: missense variant. On other transcripts: non-coding transcript variant (2).
Genome position (GRCh38, 1-based): chr10:68,165,741, A>C. VCF-style: chr10-68165741-A-C. GRCh37 (hg19) VCF-style: chr10-69925498-A-C.
Other names: c.1523A>C, p.Glu508Ala (NM_001256267.2); c.641A>C, p.Glu214Ala (NM_001256268.2); short protein forms E214A, E508A.
Identifiers: ClinVar variation 3228155 (VCV003228155.1), dbSNP rs1554845333, ClinGen allele CA376837909.